The following is an entry in ClinVar:

ClinVar aggregate classification (germline): Uncertain significance (1 of 4 stars; one submission).

Conditions:
DICER1-related tumor predisposition. Also called: DICER1-related pleuropulmonary blastoma cancer predisposition syndrome; DICER1 syndrome. Identifiers: Orphanet 284343, MedGen C3839822, MONDO:0100216.

Submission:

Labcorp Genetics (formerly Invitae), Labcorp
Classification: Uncertain significance for DICER1-related tumor predisposition. Last evaluated: 2021-06-19. Review status: criteria provided, single submitter. Criteria: Invitae Variant Classification Sherloc (09022015). Collection method: clinical testing. Allele origin: germline.
Comment: This variant has not been reported in the literature in individuals with DICER1-related conditions. This sequence change replaces glutamic acid with glutamine at codon 1480 of the DICER1 protein (p.Glu1480Gln). The glutamic acid residue is highly conserved and there is a small physicochemical difference between glutamic acid and glutamine. This variant is not present in population databases (ExAC no frequency). Algorithms developed to predict the effect of missense changes on protein structure and function are either unavailable or do not agree on the potential impact of this missense change (SIFT: "Tolerated"; PolyPhen-2: "Possibly Damaging"; Align-GVGD: "Class C0"). In summary, the available evidence is currently insufficient to determine the role of this variant in disease. Therefore, it has been classified as a Variant of Uncertain Significance.

NM_177438.3(DICER1):c.4438G>C (p.Glu1480Gln)

Gene: DICER1 (dicer 1, ribonuclease III; minus strand). Cytogenetic location: 14q32.13.
Variant type: single nucleotide variant.
Coding change: c.4438G>C on transcript NM_177438.3 (MANE Select); coding-DNA position 4438, G replaced by C.
Protein change: p.Glu1480Gln; replaces glutamic acid 1480 with glutamine.
Molecular consequence: missense variant.
Genome position (GRCh38, 1-based): chr14:95,096,482, C>G on the plus strand (G>C on the coding strand, the complement: DICER1 is on the minus strand). VCF-style: chr14-95096482-C-G. GRCh37 (hg19) VCF-style: chr14-95562819-C-G.
Other names: c.4438G>C, p.Glu1480Gln (NM_001195573.1, NM_001271282.3, NM_001291628.2 and 1 more transcripts); short protein forms E1480Q.
Identifiers: ClinVar variation 1434345 (VCV001434345.9), dbSNP rs1890350105, ClinGen allele CA390868524.